The following is an entry in ClinVar:

ClinVar aggregate classification (germline): Uncertain significance (1 of 4 stars; one submission).

Conditions:
Rubinstein-Taybi syndrome (RSTS). Identifiers: Orphanet 783, MedGen C0035934, MONDO:0019188.

Allele frequency attached by ClinVar (database versions not stated): gnomAD 0.00001; TOPMed 0.00001.
gnomAD v4.1: 1 of 1,613,944 alleles (0.000062%); highest among the groups gnomAD compares: Non-Finnish European, 0.000085%; no homozygotes.

Submission:

Labcorp Genetics (formerly Invitae), Labcorp
Classification: Uncertain significance for Rubinstein-Taybi syndrome. Last evaluated: 2023-08-03. Review status: criteria provided, single submitter. Criteria: Invitae Variant Classification Sherloc (09022015). Collection method: clinical testing. Allele origin: germline.
Comment: In summary, the available evidence is currently insufficient to determine the role of this variant in disease. Therefore, it has been classified as a Variant of Uncertain Significance. Advanced modeling of protein sequence and biophysical properties (such as structural, functional, and spatial information, amino acid conservation, physicochemical variation, residue mobility, and thermodynamic stability) has been performed at Invitae for this missense variant, however the output from this modeling did not meet the statistical confidence thresholds required to predict the impact of this variant on CREBBP protein function. This variant has not been reported in the literature in individuals affected with CREBBP-related conditions. This variant is not present in population databases (gnomAD no frequency). This sequence change replaces isoleucine, which is neutral and non-polar, with valine, which is neutral and non-polar, at codon 546 of the CREBBP protein (p.Ile546Val).

NM_004380.3(CREBBP):c.1636A>G (p.Ile546Val)

Gene: CREBBP (CREB binding lysine acetyltransferase; minus strand). Cytogenetic location: 16p13.3.
Variant type: single nucleotide variant.
Coding change: c.1636A>G on transcript NM_004380.3 (MANE Select); coding-DNA position 1636, A replaced by G.
Protein change: p.Ile546Val; replaces isoleucine 546 with valine.
Molecular consequence: missense variant.
Genome position (GRCh38, 1-based): chr16:3,781,244, T>C on the plus strand (A>G on the coding strand, the complement: CREBBP is on the minus strand). VCF-style: chr16-3781244-T-C. GRCh37 (hg19) VCF-style: chr16-3831245-T-C.
Other names: c.1522A>G, p.Ile508Val (NM_001079846.1); short protein forms I508V, I546V.
Identifiers: ClinVar variation 2749851 (VCV002749851.3), dbSNP rs1329180790, ClinGen allele CA394556852.